The following is an entry in ClinVar:

ClinVar aggregate classification (germline): Likely pathogenic. Review status: criteria provided, multiple submitters, no conflicts (2 of 4 stars). 2 submissions from 2 submitters: Likely pathogenic (2). Last evaluated 2025-08-15.

Conditions:
Autosomal dominant nonsyndromic hearing loss 2A. Also called: DFNA2 Nonsyndromic Hearing Loss; Deafness, autosomal dominant 2A; Autosomal dominant nonsyndromic deafness 2A. Identifiers: Orphanet 90635, MedGen C2677637, MONDO:0010817, OMIM 600101.

Submissions (2):

Labcorp Genetics (formerly Invitae), Labcorp
Classification: Likely pathogenic. Last evaluated: 2025-08-15. Review status: criteria provided, single submitter. Criteria: Invitae Variant Classification Sherloc (09022015). Collection method: clinical testing. Allele origin: germline.
Comment: This sequence change affects an acceptor splice site in intron 2 of the KCNQ4 gene. It is expected to disrupt RNA splicing. Variants that disrupt the donor or acceptor splice site typically lead to a loss of protein function (PMID: 16199547), and loss-of-function variants in KCNQ4 are known to be pathogenic (PMID: 23717403). This variant is not present in population databases (gnomAD no frequency). This variant has not been reported in the literature in individuals affected with KCNQ4-related conditions. ClinVar contains an entry for this variant (Variation ID: 2120280). Algorithms developed to predict the effect of sequence changes on RNA splicing suggest that this variant may disrupt the consensus splice site. In summary, the currently available evidence indicates that the variant is pathogenic, but additional data are needed to prove that conclusively. Therefore, this variant has been classified as Likely Pathogenic.

Revvity Omics, Revvity
Classification: Likely pathogenic for Autosomal dominant nonsyndromic hearing loss 2A. Last evaluated: 2024-09-24. Review status: criteria provided, single submitter. Criteria: ACMG Guidelines, 2015. Collection method: clinical testing. Allele origin: germline.

Literature cited by the submitters: PubMed 16199547 (cited by Labcorp Genetics (formerly Invitae), Labcorp); PubMed 23717403 (cited by Labcorp Genetics (formerly Invitae), Labcorp).

NM_004700.4(KCNQ4):c.406-2A>G

Gene: KCNQ4 (potassium voltage-gated channel subfamily Q member 4; plus strand). Cytogenetic location: 1p34.2.
Variant type: single nucleotide variant.
Coding change: c.406-2A>G on transcript NM_004700.4 (MANE Select); the canonical splice acceptor site of the intron before coding-DNA position 406, A replaced by G.
Molecular consequence: splice acceptor variant.
Genome position (GRCh38, 1-based): chr1:40,818,162, A>G. VCF-style: chr1-40818162-A-G. GRCh37 (hg19) VCF-style: chr1-41283834-A-G.
Other names: c.406-2A>G (NM_172163.3).
Identifiers: ClinVar variation 2120280 (VCV002120280.5), dbSNP rs2523879810, ClinGen allele CA339893498.